The following is an entry in ClinVar:

ClinVar aggregate classification (germline): Uncertain significance. Review status: criteria provided, multiple submitters, no conflicts (2 of 4 stars). 2 submissions from 2 submitters: Uncertain significance (2). Last evaluated 2025-09-20.

Conditions:
Inborn genetic diseases. Identifiers: MedGen C0950123, MeSH D030342.

Submissions (2):

Ambry Genetics
Classification: Uncertain significance for Inborn genetic diseases. Last evaluated: 2025-09-20. Review status: criteria provided, single submitter. Criteria: Ambry Variant Classification Scheme 2023. Collection method: clinical testing. Allele origin: germline.
Comment: The p.K505Q variant (also known as c.1513A>C), located in coding exon 1 of the SAMD9L gene, results from an A to C substitution at nucleotide position 1513. The lysine at codon 505 is replaced by glutamine, an amino acid with similar properties. This amino acid position is conserved. In addition, this alteration is predicted to be tolerated by in silico analysis. Based on the available evidence, the clinical significance of this variant remains unclear.

Labcorp Genetics (formerly Invitae), Labcorp
Classification: Uncertain significance. Last evaluated: 2023-04-07. Review status: criteria provided, single submitter. Criteria: Invitae Variant Classification Sherloc (09022015). Collection method: clinical testing. Allele origin: germline.
Comment: In summary, the available evidence is currently insufficient to determine the role of this variant in disease. Therefore, it has been classified as a Variant of Uncertain Significance. Advanced modeling of protein sequence and biophysical properties (such as structural, functional, and spatial information, amino acid conservation, physicochemical variation, residue mobility, and thermodynamic stability) performed at Invitae indicates that this missense variant is not expected to disrupt SAMD9L protein function. This variant has not been reported in the literature in individuals affected with SAMD9L-related conditions. This variant is not present in population databases (gnomAD no frequency). This sequence change replaces lysine, which is basic and polar, with glutamine, which is neutral and polar, at codon 505 of the SAMD9L protein (p.Lys505Gln).

NM_152703.5(SAMD9L):c.1513A>C (p.Lys505Gln)

Gene: SAMD9L (sterile alpha motif domain containing 9 like; minus strand). Cytogenetic location: 7q21.2.
Variant type: single nucleotide variant.
Coding change: c.1513A>C on transcript NM_152703.5 (MANE Select); coding-DNA position 1513, A replaced by C.
Protein change: p.Lys505Gln; replaces lysine 505 with glutamine.
Molecular consequence: missense variant.
Genome position (GRCh38, 1-based): chr7:93,134,459, T>G on the plus strand (A>C on the coding strand, the complement: SAMD9L is on the minus strand). VCF-style: chr7-93134459-T-G. GRCh37 (hg19) VCF-style: chr7-92763772-T-G.
Other names: c.1513A>C, p.Lys505Gln (NM_001303496.3, NM_001303497.3, NM_001303498.3 and 5 more transcripts); c.1513A>C (NM_152703.2); short protein forms K505Q.
Identifiers: ClinVar variation 2853499 (VCV002853499.4), dbSNP rs2535427515, ClinGen allele CA368196065.